The following is an entry in ClinVar:

ClinVar aggregate classification (germline): Uncertain significance. Review status: criteria provided, multiple submitters, no conflicts (2 of 4 stars). 4 submissions from 4 submitters: Uncertain significance (4). Last evaluated 2026-09-21.

Conditions:
Cardiovascular phenotype. Identifiers: MedGen CN230736.
Hypertrophic cardiomyopathy 3. Also called: TPM1-Related Familial Hypertrophic Cardiomyopathy. Identifiers: MedGen C1861863, MONDO:0007267, OMIM 115196.
Dilated cardiomyopathy 1Y (CMD1Y). Identifiers: Orphanet 154, Orphanet 54260, MedGen C2678476, MONDO:0012744, OMIM 611878.
Cardiomyopathy (CMYO). Also called: Cardiomyopathies. Identifiers: Orphanet 167848, MedGen C0878544, MONDO:0004994, HP:0001638. Inheritance: Various modes of inheritance.
Hypertrophic cardiomyopathy. Also called: HYPERTROPHIC MYOCARDIOPATHY. Identifiers: Orphanet 217569, MedGen C0007194, MeSH D002312, MONDO:0005045, HP:0001639.

Submissions (4):

Molecular Diagnostic Laboratory for Inherited Cardiovascular Disease, Montreal Heart Institute
Classification: Uncertain significance for Cardiovascular phenotype. Last evaluated: 2026-09-21. Review status: criteria provided, single submitter. Criteria: ACMG Guidelines, 2015. Collection method: clinical testing. Allele origin: germline. Affected: yes.
Comment: PM2, PP2, PP3

Labcorp Genetics (formerly Invitae), Labcorp
Classification: Uncertain significance for Hypertrophic cardiomyopathy. Last evaluated: 2022-08-16. Review status: criteria provided, single submitter. Criteria: Invitae Variant Classification Sherloc (09022015). Collection method: clinical testing. Allele origin: germline.
Comment: In summary, the available evidence is currently insufficient to determine the role of this variant in disease. Therefore, it has been classified as a Variant of Uncertain Significance. An algorithm developed specifically for the TPM1 gene suggests that this missense change is likely to be deleterious (PMID: 21310275). ClinVar contains an entry for this variant (Variation ID: 454418). This missense change has been observed in individual(s) with TPM1-related conditions (Invitae). This variant is not present in population databases (gnomAD no frequency). This sequence change replaces leucine, which is neutral and non-polar, with valine, which is neutral and non-polar, at codon 88 of the TPM1 protein (p.Leu88Val).

CHEO Genetics Diagnostic Laboratory, Children's Hospital of Eastern Ontario
Classification: Uncertain significance for Cardiomyopathy. Last evaluated: 2022-06-14. Review status: criteria provided, single submitter. Criteria: ACMG Guidelines, 2015. Collection method: clinical testing. Allele origin: germline.

Fulgent Genetics
Classification: Uncertain significance for Hypertrophic cardiomyopathy 3; Dilated cardiomyopathy 1Y. Last evaluated: 2021-09-08. Review status: criteria provided, single submitter. Criteria: ACMG Guidelines, 2015. Collection method: clinical testing. Allele origin: unknown.

Literature cited by the submitters: PubMed 21310275 (cited by Labcorp Genetics (formerly Invitae), Labcorp).

NM_001018005.2(TPM1):c.262C>G (p.Leu88Val)

Gene: TPM1 (tropomyosin 1; plus strand). Cytogenetic location: 15q22.2.
Variant type: single nucleotide variant.
Coding change: c.262C>G on transcript NM_001018005.2 (MANE Select); coding-DNA position 262, C replaced by G.
Protein change: p.Leu88Val; replaces leucine 88 with valine.
Molecular consequence: missense variant.
Genome position (GRCh38, 1-based): chr15:63,057,006, C>G. VCF-style: chr15-63057006-C-G. GRCh37 (hg19) VCF-style: chr15-63349205-C-G.
Other names: c.262C>G, p.Leu88Val (NM_000366.6, NM_001018004.2, NM_001018006.2 and 6 more transcripts); c.154C>G, p.Leu52Val (NM_001018008.2, NM_001301289.2, NM_001330344.2 and 5 more transcripts); c.388C>G, p.Leu130Val (NM_001365778.1); short protein forms L88V, L130V, L52V.
Identifiers: ClinVar variation 454418 (VCV000454418.13), dbSNP rs1555407795, ClinGen allele CA392720644.
Genomic context (GRCh38, chr15:63,057,006, plus strand): 5'-TTCTCCCCAACTCTGAAATGCTTTTCACTCTCTACCTAGGCTGAAGCCGACGTAGCTTCT[C>G]TGAACAGACGCATCCAGCTGGTTGAGGAAGAGTTGGATCGTGCCCAGGAGCGTCTGGCAA-3'
Protein context (NP_001018005.1, residues 78-98): ATDAEADVAS[Leu88Val]NRRIQLVEEE